The following is an entry in ClinVar:

ClinVar aggregate classification (germline): Conflicting classifications of pathogenicity. Review status: criteria provided, conflicting classifications (1 of 4 stars). 3 submissions from 3 submitters: Uncertain significance (1); Likely benign (2). Last evaluated 2025-02-15.

Conditions:
Early-infantile DEE. Also called: Ohtahara syndrome; Early infantile epileptic encephalopathy; Early infantile epileptic encephalopathy with suppression bursts. Identifiers: Orphanet 1934, MedGen C0393706, MONDO:0800491.
Developmental and epileptic encephalopathy, 5 (DEE5). Identifiers: Orphanet 3451, MedGen C3150731, MONDO:0013277, OMIM 613477.

Allele frequency attached by ClinVar (database versions not stated): TOPMed 0.00002; gnomAD 0.00003.
gnomAD v4.1: 36 of 1,613,318 alleles (0.0022%); highest among the groups gnomAD compares: Admixed American, 0.013%; no homozygotes.

Submissions (3):

Labcorp Genetics (formerly Invitae), Labcorp
Classification: Uncertain significance for Early-infantile DEE. Last evaluated: 2025-02-15. Review status: criteria provided, single submitter. Criteria: Invitae Variant Classification Sherloc (09022015). Collection method: clinical testing. Allele origin: germline.
Comment: This sequence change replaces alanine, which is neutral and non-polar, with serine, which is neutral and polar, at codon 450 of the SPTAN1 protein (p.Ala450Ser). This variant is present in population databases (rs768940761, gnomAD 0.02%). This variant has not been reported in the literature in individuals affected with SPTAN1-related conditions. ClinVar contains an entry for this variant (Variation ID: 207262). Invitae Evidence Modeling of protein sequence and biophysical properties (such as structural, functional, and spatial information, amino acid conservation, physicochemical variation, residue mobility, and thermodynamic stability) has been performed for this missense variant. However, the output from this modeling did not meet the statistical confidence thresholds required to predict the impact of this variant on SPTAN1 protein function. In summary, the available evidence is currently insufficient to determine the role of this variant in disease. Therefore, it has been classified as a Variant of Uncertain Significance.

Genome-Nilou Lab
Classification: Likely benign for Developmental and epileptic encephalopathy, 5. Last evaluated: 2021-07-15. Review status: criteria provided, single submitter. Criteria: ACMG Guidelines, 2015. Collection method: clinical testing. Allele origin: germline. Affected: no.

GeneDx
Classification: Likely benign. Last evaluated: 2013-07-08. Review status: criteria provided, single submitter. Criteria: GeneDx Variant Classification (06012015). Collection method: clinical testing. Allele origin: germline. Affected: yes.
Comment: This variant is considered likely benign or benign based on one or more of the following criteria: it is a conservative change, it occurs at a poorly conserved position in the protein, it is predicted to be benign by multiple in silico algorithms, and/or has population frequency not consistent with disease.

NM_001130438.3(SPTAN1):c.1348G>T (p.Ala450Ser)

Gene: SPTAN1 (spectrin alpha, non-erythrocytic 1; plus strand). Cytogenetic location: 9q34.11.
Variant type: single nucleotide variant.
Coding change: c.1348G>T on transcript NM_001130438.3 (MANE Select); coding-DNA position 1348, G replaced by T.
Protein change: p.Ala450Ser; replaces alanine 450 with serine.
Molecular consequence: missense variant.
Genome position (GRCh38, 1-based): chr9:128,580,946, G>T. VCF-style: chr9-128580946-G-T. GRCh37 (hg19) VCF-style: chr9-131343225-G-T.
Other names: p.A450S:GCG>TCG; c.1348G>T, p.Ala450Ser (NM_001195532.2, NM_001363759.2, NM_001363765.2 and 1 more transcripts); short protein forms A450S.
Identifiers: ClinVar variation 207262 (VCV000207262.11), dbSNP rs768940761, ClinGen allele CA318566.